The following is an entry in ClinVar:

NM_002972.4(SBF1):c.352C>T (p.Pro118Ser)

Gene: SBF1 (SET binding factor 1; minus strand). Cytogenetic location: 22q13.33.
Variant type: single nucleotide variant.
Coding change: c.352C>T on transcript NM_002972.4 (MANE Select); coding-DNA position 352, C replaced by T.
Protein change: p.Pro118Ser; replaces proline 118 with serine.
Molecular consequence: missense variant.
Genome position (GRCh38, 1-based): chr22:50,467,618, G>A on the plus strand (C>T on the coding strand, the complement: SBF1 is on the minus strand). VCF-style: chr22-50467618-G-A. GRCh37 (hg19) VCF-style: chr22-50906047-G-A.
Other names: c.355C>T, p.Pro119Ser (NM_001365819.1, NM_001410794.1); c.352C>T, p.Pro118Ser (NM_001410795.1, NM_197971.1); c.352C>T (NM_002972.2); short protein forms P118S, P119S.
Identifiers: ClinVar variation 2417235 (VCV002417235.4), dbSNP rs376316390, ClinGen allele CA325537497.

ClinVar aggregate classification (germline): Uncertain significance. Review status: criteria provided, multiple submitters, no conflicts (2 of 4 stars). 2 submissions from 2 submitters: Uncertain significance (2). Last evaluated 2024-08-04.

Allele frequency attached by ClinVar (database versions not stated): gnomAD 0.00003; TOPMed 0.00003; ESP Exome Variant Server 0.00008.
gnomAD v4.1: 18 of 1,613,934 alleles (0.0011%); highest among the groups gnomAD compares: African/African-American, 0.004%; no homozygotes.

Submissions (2):

Ambry Genetics
Classification: Uncertain significance. Last evaluated: 2024-08-04. Review status: criteria provided, single submitter. Criteria: Ambry Variant Classification Scheme 2023. Collection method: clinical testing. Allele origin: germline.

Labcorp Genetics (formerly Invitae), Labcorp
Classification: Uncertain significance. Last evaluated: 2022-04-01. Review status: criteria provided, single submitter. Criteria: Invitae Variant Classification Sherloc (09022015). Collection method: clinical testing. Allele origin: germline.
Comment: This sequence change replaces proline, which is neutral and non-polar, with serine, which is neutral and polar, at codon 118 of the SBF1 protein (p.Pro118Ser). This variant is present in population databases (rs376316390, gnomAD 0.0009%). This variant has not been reported in the literature in individuals affected with SBF1-related conditions. Algorithms developed to predict the effect of missense changes on protein structure and function output the following: SIFT: "Tolerated"; PolyPhen-2: "Benign"; Align-GVGD: "Class C0". The serine amino acid residue is found in multiple mammalian species, which suggests that this missense change does not adversely affect protein function. In summary, the available evidence is currently insufficient to determine the role of this variant in disease. Therefore, it has been classified as a Variant of Uncertain Significance.